The following is an entry in ClinVar:

NM_001164508.2(NEB):c.17919G>C (p.Lys5973Asn)

Gene: NEB (nebulin; minus strand). Cytogenetic location: 2q23.3.
Variant type: single nucleotide variant.
Coding change: c.17919G>C on transcript NM_001164508.2 (MANE Select); coding-DNA position 17919, G replaced by C.
Protein change: p.Lys5973Asn; replaces lysine 5973 with asparagine.
Molecular consequence: missense variant.
Genome position (GRCh38, 1-based): chr2:151,567,405, C>G on the plus strand (G>C on the coding strand, the complement: NEB is on the minus strand). VCF-style: chr2-151567405-C-G. GRCh37 (hg19) VCF-style: chr2-152423919-C-G.
Other names: c.12816G>C (NM_004543.4); c.17919G>C, p.Lys5973Asn (NM_001164507.2, NM_001271208.2); c.12816G>C, p.Lys4272Asn (NM_004543.5); short protein forms K5973N, K4272N.
Identifiers: ClinVar variation 465509 (VCV000465509.11), dbSNP rs752928207, ClinGen allele CA1908065.

ClinVar aggregate classification (germline): Conflicting classifications of pathogenicity. Review status: criteria provided, conflicting classifications (1 of 4 stars). 4 submissions from 4 submitters: Uncertain significance (2); Benign (1). 1 of the submissions does not count toward it. Last evaluated 2026-01-13.

Conditions:
Inborn genetic diseases. Identifiers: MedGen C0950123, MeSH D030342.
Nemaline myopathy 2 (NEM2). Also called: Nemaline myopathy 2, autosomal recessive. Identifiers: MedGen C1850569, MONDO:0009725, OMIM 256030.

Allele frequency attached by ClinVar (database versions not stated): gnomAD 0.00001; gnomAD exomes 0.00007 and 0.00012; TOPMed 0.00007; ExAC 0.00012.
gnomAD v4.1: 41 of 1,613,636 alleles (0.0025%); highest among the groups gnomAD compares: Admixed American, 0.067%; no homozygotes.

Submissions (4):

Labcorp Genetics (formerly Invitae), Labcorp
Classification: Benign for Nemaline myopathy 2. Last evaluated: 2026-01-13. Review status: criteria provided, single submitter. Criteria: Invitae Variant Classification Sherloc (09022015). Collection method: clinical testing. Allele origin: germline.

Ambry Genetics
Classification: Uncertain significance for Inborn genetic diseases. Last evaluated: 2025-12-10. Review status: criteria provided, single submitter. Criteria: Ambry Variant Classification Scheme 2023. Collection method: clinical testing. Allele origin: germline.

GeneDx
Classification: Uncertain significance. Last evaluated: 2022-06-30. Review status: criteria provided, single submitter. Criteria: GeneDx Variant Classification Process June 2021. Collection method: clinical testing. Allele origin: germline. Affected: yes.
Comment: In silico analysis supports that this missense variant has a deleterious effect on protein structure/function; Has not been previously published as pathogenic or benign to our knowledge

Natera, Inc.
Classification: Uncertain significance for Nemaline myopathy type 2. Last evaluated: 2019-11-11. Review status: no assertion criteria provided. Collection method: clinical testing. Allele origin: germline. Not counted in ClinVar's aggregate classification.